The following is an entry in ClinVar:

ClinVar aggregate classification (germline): Likely benign. Review status: criteria provided, multiple submitters, no conflicts (2 of 4 stars). 3 submissions from 3 submitters: Likely benign (2). 1 of the submissions does not count toward it. Last evaluated 2026-01-11.

Conditions:
VPS13A-related disorder. Also called: VPS13A-related condition.

Allele frequency attached by ClinVar (database versions not stated): gnomAD exomes 0.00002; gnomAD 0.00003 and 0.00004; TOPMed 0.00003; ExAC 0.00005.
gnomAD v4.1: 34 of 1,604,228 alleles (0.0021%); highest among the groups gnomAD compares: Middle Eastern, 0.017%; no homozygotes.

Submissions (3):

Labcorp Genetics (formerly Invitae), Labcorp
Classification: Likely benign. Last evaluated: 2026-01-11. Review status: criteria provided, single submitter. Criteria: Invitae Variant Classification Sherloc (09022015). Collection method: clinical testing. Allele origin: germline.

Blueprint Genetics
Classification: Likely benign. Last evaluated: 2024-11-07. Review status: criteria provided, single submitter. Criteria: ACMG Guidelines, 2015. Collection method: clinical testing. Allele origin: germline.

PreventionGenetics, part of Exact Sciences
Classification: Likely benign for VPS13A-related condition. Last evaluated: 2019-06-25. Review status: no assertion criteria provided. Collection method: clinical testing. Allele origin: germline. Not counted in ClinVar's aggregate classification.
Comment: This variant is classified as likely benign based on ACMG/AMP sequence variant interpretation guidelines (Richards et al. 2015 PMID: 25741868, with internal and published modifications).

NM_033305.3(VPS13A):c.3235+8A>G

Gene: VPS13A (vacuolar protein sorting 13 homolog A; plus strand). Cytogenetic location: 9q21.2.
Variant type: single nucleotide variant.
Coding change: c.3235+8A>G on transcript NM_033305.3 (MANE Select); 8 bases into the intron after coding-DNA position 3235, A replaced by G.
Molecular consequence: intron variant.
Genome position (GRCh38, 1-based): chr9:77,283,479, A>G. VCF-style: chr9-77283479-A-G. GRCh37 (hg19) VCF-style: chr9-79898395-A-G.
Other names: c.3119-68A>G (NM_001018037.2); c.3235+8A>G (NM_015186.4, NM_001018038.3).
Identifiers: ClinVar variation 700146 (VCV000700146.12), dbSNP rs763153645, ClinGen allele CA5092190.